The following is an entry in ClinVar:

NM_015340.4(LARS2):c.1079T>C (p.Ile360Thr)

Genes: LARS2 (leucyl-tRNA synthetase 2, mitochondrial; plus strand), LARS2-AS1 (LARS2 antisense RNA 1; minus strand). Cytogenetic location: 3p21.31.
Variant type: single nucleotide variant.
Coding change: c.1079T>C on transcript NM_015340.4 (MANE Select); coding-DNA position 1079, T replaced by C.
Protein change: p.Ile360Thr; replaces isoleucine 360 with threonine.
Molecular consequence: missense variant.
Genome position (GRCh38, 1-based): chr3:45,485,752, T>C. VCF-style: chr3-45485752-T-C. GRCh37 (hg19) VCF-style: chr3-45527244-T-C.
Other names: c.1079T>C, p.Ile360Thr (NM_001368263.1); c.1079T>C (NM_015340.3); short protein forms I360T.
Identifiers: ClinVar variation 2446359 (VCV002446359.3), dbSNP rs2529002022, ClinGen allele CA352424436.

ClinVar aggregate classification (germline): Likely pathogenic. Review status: criteria provided, single submitter (1 of 4 stars). 2 submissions from 2 submitters: Likely pathogenic (1). 1 of the submissions does not count toward it.

Conditions:
LARS2-related disorder. Also called: LARS2-related condition.
Perrault syndrome 4 (PRLTS4). Identifiers: Orphanet 2855, MedGen C3809105, MONDO:0014126, OMIM 615300.

Allele frequency attached by ClinVar (database versions not stated): gnomAD exomes below 0.00001.
gnomAD v4.1: 1 of 1,611,688 alleles (0.000062%); highest among the groups gnomAD compares: Admixed American, 0.0017%; no homozygotes.

Submissions (2):

Precision Medicine Center, Zhengzhou University
Classification: Likely pathogenic for Perrault syndrome 4. Review status: criteria provided, single submitter. Criteria: ACMG Guidelines, 2015. Collection method: research. Allele origin: germline. Affected: yes.

PreventionGenetics, part of Exact Sciences
Classification: Likely pathogenic for LARS2-related condition. Last evaluated: 2024-05-27. Review status: no assertion criteria provided. Collection method: clinical testing. Allele origin: germline. Not counted in ClinVar's aggregate classification.
Comment: The LARS2 c.1079T>C variant is predicted to result in the amino acid substitution p.Ile360Thr. This variant has been reported in compound heterozygous state with pathogenic c.1565C>A variant in an individual with Perrault syndrome (Lei et al. 2023. PubMed ID: 38186093). This variant has not been reported in a large population database, indicating this variant is rare. It is documented as likely pathogenic in ClinVar by a single lab, and noted to have been found in compound heterozygosity with the common pathogenic c.1565C>A variant. This variant is interpreted as likely pathogenic.